The following is an entry in ClinVar:

ClinVar aggregate classification (germline): Uncertain significance (1 of 4 stars; one submission).

gnomAD v4.1: 1 of 1,613,714 alleles (0.000062%); highest among the groups gnomAD compares: African/African-American, 0.0013%; no homozygotes.

Submission:

GeneDx
Classification: Uncertain significance. Last evaluated: 2024-03-14. Review status: criteria provided, single submitter. Criteria: GeneDx Variant Classification Process June 2021. Collection method: clinical testing. Allele origin: germline. Affected: yes.
Comment: Not observed at significant frequency in large population cohorts (gnomAD); In silico analysis supports that this missense variant has a deleterious effect on protein structure/function; Has not been previously published as pathogenic or benign to our knowledge

NM_003482.4(KMT2D):c.9050A>T (p.Asp3017Val)

Gene: KMT2D (lysine methyltransferase 2D; minus strand). Cytogenetic location: 12q13.12.
Variant type: single nucleotide variant.
Coding change: c.9050A>T on transcript NM_003482.4 (MANE Select); coding-DNA position 9050, A replaced by T.
Protein change: p.Asp3017Val; replaces aspartic acid 3017 with valine.
Molecular consequence: missense variant.
Genome position (GRCh38, 1-based): chr12:49,038,306, T>A on the plus strand (A>T on the coding strand, the complement: KMT2D is on the minus strand). VCF-style: chr12-49038306-T-A. GRCh37 (hg19) VCF-style: chr12-49432089-T-A.
Other names: short protein forms D3017V.
Identifiers: ClinVar variation 3370904 (VCV003370904.1).